The following is an entry in ClinVar:

NM_016222.4(DDX41):c.850C>G (p.Leu284Val)

Gene: DDX41 (DEAD-box helicase 41; minus strand). Cytogenetic location: 5q35.3.
Variant type: single nucleotide variant.
Coding change: c.850C>G on transcript NM_016222.4 (MANE Select); coding-DNA position 850, C replaced by G.
Protein change: p.Leu284Val; replaces leucine 284 with valine.
Molecular consequence: missense variant.
Genome position (GRCh38, 1-based): chr5:177,514,786, G>C on the plus strand (C>G on the coding strand, the complement: DDX41 is on the minus strand). VCF-style: chr5-177514786-G-C. GRCh37 (hg19) VCF-style: chr5-176941787-G-C.
Other names: c.472C>G, p.Leu158Val (NM_001321732.2, NM_001321830.2); short protein forms L158V, L284V.
Identifiers: ClinVar variation 3838963 (VCV003838963.1).

ClinVar aggregate classification (germline): Uncertain significance (1 of 4 stars; one submission).

Conditions:
Inborn genetic diseases. Identifiers: MedGen C0950123, MeSH D030342.

Submission:

Ambry Genetics
Classification: Uncertain significance for Inborn genetic diseases. Last evaluated: 2024-12-26. Review status: criteria provided, single submitter. Criteria: Ambry Variant Classification Scheme 2023. Collection method: clinical testing. Allele origin: germline.
Comment: The p.L284V variant (also known as c.850C>G), located in coding exon 9 of the DDX41 gene, results from a C to G substitution at nucleotide position 850. The leucine at codon 284 is replaced by valine, an amino acid with highly similar properties. This amino acid position is conserved. In addition, this alteration is predicted to be tolerated by in silico analysis. Based on the available evidence, the clinical significance of this variant remains unclear.